The following is an entry in ClinVar:

NM_006662.3(SRCAP):c.2655C>A (p.Gly885=)

Gene: SRCAP (Snf2 related CREBBP activator protein; plus strand). Cytogenetic location: 16p11.2.
Variant type: single nucleotide variant.
Coding change: c.2655C>A on transcript NM_006662.3 (MANE Select); coding-DNA position 2655, C replaced by A.
Protein change: p.Gly885=; no amino-acid change (glycine 885 retained).
Molecular consequence: synonymous variant.
Genome position (GRCh38, 1-based): chr16:30,716,317, C>A. VCF-style: chr16-30716317-C-A. GRCh37 (hg19) VCF-style: chr16-30727638-C-A.
Identifiers: ClinVar variation 1597157 (VCV001597157.34), dbSNP rs144028938, ClinGen allele CA8011279.

ClinVar aggregate classification (germline): Likely benign. Review status: criteria provided, multiple submitters, no conflicts (2 of 4 stars). 4 submissions from 4 submitters: Likely benign (4). Last evaluated 2026-01-31.

Conditions:
Floating-Harbor syndrome (FLHS). Also called: SRCAP-Related Floating-Harbor Syndrome; Short stature with delayed bone age, expressive language delay, a triangular face with a prominent nose and deep-set eyes; Pelletier-Leisti syndrome. Identifiers: Orphanet 2044, MedGen C0729582, MONDO:0007621, OMIM 136140.
Developmental delay, hypotonia, musculoskeletal defects, and behavioral abnormalities. Identifiers: MedGen C5562012, MONDO:0859202, OMIM 619595.

Allele frequency attached by ClinVar (database versions not stated): gnomAD 0.00026; ESP Exome Variant Server 0.00031.

Submissions (4):

Labcorp Genetics (formerly Invitae), Labcorp
Classification: Likely benign. Last evaluated: 2026-01-31. Review status: criteria provided, single submitter. Criteria: Invitae Variant Classification Sherloc (09022015). Collection method: clinical testing. Allele origin: germline.

Blueprint Genetics
Classification: Likely benign. Last evaluated: 2024-11-11. Review status: criteria provided, single submitter. Criteria: ACMG Guidelines, 2015. Collection method: clinical testing. Allele origin: germline.

CeGaT Center for Human Genetics Tuebingen
Classification: Likely benign. Last evaluated: 2022-08-01. Review status: criteria provided, single submitter. Criteria: CeGaT Center For Human Genetics Tuebingen Variant Classification Criteria Version 2. Collection method: clinical testing. Allele origin: germline. Affected: yes. Observed: 3 variant alleles.
Comment: SRCAP: BP4, BP7

Fulgent Genetics
Classification: Likely benign for Floating-Harbor syndrome; Developmental delay, hypotonia, musculoskeletal defects, and behavioral abnormalities. Last evaluated: 2021-11-11. Review status: criteria provided, single submitter. Criteria: ACMG Guidelines, 2015. Collection method: clinical testing. Allele origin: unknown.